The following is an entry in ClinVar:

ClinVar aggregate classification (germline): Uncertain significance (1 of 4 stars; one submission).

Submission:

Dasa
Classification: Uncertain significance. Last evaluated: 2025-12-16. Review status: criteria provided, single submitter. Criteria: DASA Assertion Criteria. Collection method: clinical testing. Allele origin: germline.
Comment: NM_003070.5(SMARCA2):c.3452A>G (p.His1151Arg) is a missense variant that results in the substitution of histidine with arginine. The affected residue or protein region has prior evidence supporting clinical relevance. This variant is rare in population databases. Computational prediction algorithms are consistent with a deleterious effect. The currently available literature and clinical evidence are not sufficient to establish a definitive association between this variant and the reported condition. Therefore, this variant is classified as a variant of uncertain significance.

NM_003070.5(SMARCA2):c.3452A>G (p.His1151Arg)

Gene: SMARCA2 (SWI/SNF related BAF chromatin remodeling complex subunit ATPase 2; plus strand). Cytogenetic location: 9p24.3.
Variant type: single nucleotide variant.
Coding change: c.3452A>G on transcript NM_003070.5 (MANE Select); coding-DNA position 3452, A replaced by G.
Protein change: p.His1151Arg; replaces histidine 1151 with arginine.
Molecular consequence: missense variant.
Genome position (GRCh38, 1-based): chr9:2,110,413, A>G. VCF-style: chr9-2110413-A-G. GRCh37 (hg19) VCF-style: chr9-2110413-A-G.
Other names: c.3452A>G, p.His1151Arg (NM_001289396.2, NM_139045.4); c.3278A>G, p.His1093Arg (NM_001289397.2); short protein forms H1093R, H1151R.
Identifiers: ClinVar variation 4885118 (VCV004885118.2).